The following is an entry in ClinVar:

ClinVar aggregate classification (germline): Benign/Likely benign. Review status: criteria provided, multiple submitters, no conflicts (2 of 4 stars). 20 submissions from 17 submitters: Benign (2); Likely benign (15). 3 of the submissions do not count toward it. Last evaluated 2026-08-01.

Conditions:
Congenital myopathy 18. Also called: Myopathy, congenital, due to dihydropyridine receptor defect; DIHYDROPYRIDINE RECEPTOR CONGENITAL MYOPATHY; DHPR CONGENITAL MYOPATHY. Identifiers: MedGen C5830283, MONDO:0859514, OMIM 620246.
Malignant hyperthermia, susceptibility to, 5 (MHS5). Also called: CACNA1S-Related Malignant Hyperthermia Susceptibility. Identifiers: Orphanet 423, MedGen C1866077, MONDO:0011163, OMIM 601887.
Hypokalemic periodic paralysis, type 1. Also called: Hypokalemic Periodic Paralysis Type 1 (AD); HypoPP. Identifiers: Orphanet 681, MedGen C3714580, MONDO:0042979, OMIM 170400.
Malignant hyperthermia of anesthesia. Also called: Anesthesic-triggered malignant hyperthermia. Identifiers: Orphanet 423, MedGen C0024591, MONDO:0018493, HP:0034733.
Thyrotoxic periodic paralysis, susceptibility to, 1 (TTPP1). Identifiers: Orphanet 79102, MedGen C2749982, MONDO:0008570, OMIM 188580.

Allele frequency attached by ClinVar (database versions not stated): 1000 Genomes Project 0.00120; 1000 Genomes Project 30x 0.00141; ExAC 0.00187; TOPMed 0.00198; gnomAD 0.00199 and 0.00210; gnomAD exomes 0.00211 and 0.00346; ESP Exome Variant Server 0.00254.

Submissions (20):

CeGaT Center for Human Genetics Tuebingen
Classification: Likely benign. Last evaluated: 2026-08-01. Review status: criteria provided, single submitter. Criteria: CeGaT Center For Human Genetics Tuebingen Variant Classification Criteria Version 2. Collection method: clinical testing. Allele origin: germline. Affected: yes. Observed: 29 variant alleles.
Comment: CACNA1S: BS2

Labcorp Genetics (formerly Invitae), Labcorp
Classification: Likely benign for Hypokalemic periodic paralysis, type 1; Malignant hyperthermia, susceptibility to, 5. Last evaluated: 2026-02-01. Review status: criteria provided, single submitter. Criteria: Invitae Variant Classification Sherloc (09022015). Collection method: clinical testing. Allele origin: germline.

Women's Health and Genetics/Laboratory Corporation of America, LabCorp
Classification: Likely benign. Last evaluated: 2025-04-02. Review status: criteria provided, single submitter. Criteria: LabCorp Variant Classification Summary - May 2015. Collection method: clinical testing. Allele origin: germline.
Comment: Variant summary: CACNA1S c.5570G>A (p.Ser1857Asn) results in a conservative amino acid change in the encoded protein sequence. Four of five in-silico tools predict a benign effect of the variant on protein function. The observed variant frequency is approximately 2 fold of the estimated maximal expected allele frequency for a pathogenic variant in CACNA1S causing Congenital Myopathy 18-AR phenotype (0.0011). To our knowledge, no occurrence of c.5570G>A in individuals affected with Congenital Myopathy 18-AR and no experimental evidence demonstrating its impact on protein function have been reported. ClinVar contains an entry for this variant (Variation ID: 254850). Based on the evidence outlined above, the variant was classified as likely benign.

Blueprint Genetics
Classification: Likely benign. Last evaluated: 2024-11-21. Review status: criteria provided, single submitter. Criteria: ACMG Guidelines, 2015. Collection method: clinical testing. Allele origin: germline.

All of Us Research Program, National Institutes of Health
Classification: Likely benign for Malignant hyperthermia, susceptibility to, 5. Last evaluated: 2024-09-24. Review status: criteria provided, single submitter. Criteria: ACMG Guidelines, 2015. Collection method: clinical testing. Allele origin: germline. Inheritance: Autosomal dominant inheritance. Observed: 877 variant alleles, 876 heterozygotes, 1 homozygote.
Comment: This study involves interpretation of variants in research participants for the purpose of population health screening. Participant phenotype was not available at the time of variant classification. Additional details can be found in publication PMID: 35346344, PMCID: PMC8962531

ARUP Laboratories, Molecular Genetics and Genomics, ARUP Laboratories
Classification: Likely benign. Last evaluated: 2024-02-20. Review status: criteria provided, single submitter. Criteria: ARUP Molecular Germline Variant Investigation Process 2024. Collection method: clinical testing. Allele origin: germline.

Genome-Nilou Lab
Classification: Likely benign for Malignant hyperthermia, susceptibility to, 5. Last evaluated: 2023-04-11. Review status: criteria provided, single submitter. Criteria: ACMG Guidelines, 2015. Collection method: clinical testing. Allele origin: germline. Affected: no.

Genome-Nilou Lab
Classification: Likely benign for Thyrotoxic periodic paralysis, susceptibility to, 1. Last evaluated: 2023-04-11. Review status: criteria provided, single submitter. Criteria: ACMG Guidelines, 2015. Collection method: clinical testing. Allele origin: germline. Affected: no.

Genome-Nilou Lab
Classification: Likely benign for Congenital myopathy 18. Last evaluated: 2023-04-11. Review status: criteria provided, single submitter. Criteria: ACMG Guidelines, 2015. Collection method: clinical testing. Allele origin: germline. Affected: no.

Genome-Nilou Lab
Classification: Likely benign for Hypokalemic periodic paralysis, type 1. Last evaluated: 2023-04-11. Review status: criteria provided, single submitter. Criteria: ACMG Guidelines, 2015. Collection method: clinical testing. Allele origin: germline. Affected: no.

Color Diagnostics, LLC DBA Color Health
Classification: Likely benign for Malignant hyperthermia, susceptibility to, 5. Last evaluated: 2022-09-20. Review status: criteria provided, single submitter. Criteria: ACMG Guidelines, 2015. Collection method: clinical testing. Allele origin: germline.

Fulgent Genetics
Classification: Likely benign for Hypokalemic periodic paralysis, type 1; Thyrotoxic periodic paralysis, susceptibility to, 1; Malignant hyperthermia, susceptibility to, 5. Last evaluated: 2021-11-08. Review status: criteria provided, single submitter. Criteria: ACMG Guidelines, 2015. Collection method: clinical testing. Allele origin: unknown.

GeneDx
Classification: Likely benign. Last evaluated: 2021-05-11. Review status: criteria provided, single submitter. Criteria: GeneDx Variant Classification Process June 2021. Collection method: clinical testing. Allele origin: germline. Affected: yes.
Comment: This variant is associated with the following publications: (PMID: 28259615, 30325262, 32859249)

Mayo Clinic Laboratories, Mayo Clinic
Classification: Benign. Last evaluated: 2020-10-15. Review status: criteria provided, single submitter. Criteria: ACMG Guidelines, 2015. Collection method: clinical testing. Allele origin: germline. Observed: 5 variant alleles.

Illumina Laboratory Services, Illumina
Classification: Benign for Hypokalemic periodic paralysis, type 1. Last evaluated: 2018-01-13. Review status: criteria provided, single submitter. Criteria: ICSL Variant Classification Criteria 13 December 2019. Collection method: clinical testing. Allele origin: germline.
Comment: This variant was observed in the ICSL laboratory as part of a predisposition screen in an ostensibly healthy population. It had not been previously curated by ICSL or reported in the Human Gene Mutation Database (HGMD: prior to June 1st, 2018), and was therefore a candidate for classification through an automated scoring system. Utilizing variant allele frequency, disease prevalence and penetrance estimates, and inheritance mode, an automated score was calculated to assess if this variant is too frequent to cause the disease. Based on the score and internal cut-off values, a variant classified as benign is not then subjected to further curation. The score for this variant resulted in a classification of benign for this disease.

Breakthrough Genomics
Classification: Likely benign. Review status: criteria provided, single submitter. Criteria: ACMG Guidelines, 2015. Collection method: not provided. Allele origin: germline. Inheritance: Autosomal dominant inheritance. Affected: yes.

PreventionGenetics, part of Exact Sciences
Classification: Likely benign. Review status: criteria provided, single submitter. Criteria: ACMG Guidelines, 2015. Collection method: clinical testing. Allele origin: germline.

CSER _CC_NCGL, University of Washington
Classification: Likely benign for Malignant hyperthermia. Last evaluated: 2016-08-01. Review status: no assertion criteria provided. Collection method: research. Allele origin: germline. Inheritance: Autosomal dominant inheritance. Study: CSER - NEXT Medicine variant annotation. Not counted in ClinVar's aggregate classification.

Clinical Genetics DNA and cytogenetics Diagnostics Lab, Erasmus MC, Erasmus Medical Center
Classification: Likely benign. Review status: no assertion criteria provided. Collection method: clinical testing. Allele origin: germline. Affected: yes. Study: VKGL Data-share Consensus. Not counted in ClinVar's aggregate classification.

Joint Genome Diagnostic Labs from Nijmegen and Maastricht, Radboudumc and MUMC+
Classification: Benign. Review status: no assertion criteria provided. Collection method: clinical testing. Allele origin: germline. Affected: yes. Study: VKGL Data-share Consensus. Not counted in ClinVar's aggregate classification.

NM_000069.3(CACNA1S):c.5570G>A (p.Ser1857Asn)

Gene: CACNA1S (calcium voltage-gated channel subunit alpha1 S; minus strand). Cytogenetic location: 1q32.1.
Variant type: single nucleotide variant.
Coding change: c.5570G>A on transcript NM_000069.3 (MANE Select); coding-DNA position 5570, G replaced by A.
Protein change: p.Ser1857Asn; replaces serine 1857 with asparagine.
Molecular consequence: missense variant.
Genome position (GRCh38, 1-based): chr1:201,039,883, C>T on the plus strand (G>A on the coding strand, the complement: CACNA1S is on the minus strand). VCF-style: chr1-201039883-C-T. GRCh37 (hg19) VCF-style: chr1-201009011-C-T.
Other names: short protein forms S1857N.
Identifiers: ClinVar variation 254850 (VCV000254850.77), dbSNP rs72749169, ClinGen allele CA083902.